The following is an entry in ClinVar:

NM_018136.5(ASPM):c.2908G>A (p.Val970Ile)

Gene: ASPM (assembly factor for spindle microtubules; minus strand). Cytogenetic location: 1q31.3.
Variant type: single nucleotide variant.
Coding change: c.2908G>A on transcript NM_018136.5 (MANE Select); coding-DNA position 2908, G replaced by A.
Protein change: p.Val970Ile; replaces valine 970 with isoleucine.
Molecular consequence: missense variant.
Genome position (GRCh38, 1-based): chr1:197,128,518, C>T on the plus strand (G>A on the coding strand, the complement: ASPM is on the minus strand). VCF-style: chr1-197128518-C-T. GRCh37 (hg19) VCF-style: chr1-197097648-C-T.
Other names: c.2908G>A, p.Val970Ile (NM_001206846.2); short protein forms V970I.
Identifiers: ClinVar variation 1438862 (VCV001438862.3), dbSNP rs754615321, ClinGen allele CA1310324.
Genomic context (GRCh38, chr1:197,128,518, plus strand): 5'-TTAAGCAAAATAATTCTATTTCTTATACGTACACAAGGCGCACTCCACATTGCAAGTCTA[C>T]GGCAAGATTTGTAACGGCAAAATCAAATTCATCAAATGGTGTCTGAACATGGTTAACAGG-3'
Protein context (NP_060606.3, residues 960-980): EFDFAVTNLA[Val970Ile]DLQCGVRLVR

ClinVar aggregate classification (germline): Uncertain significance (1 of 4 stars; one submission).

Allele frequency attached by ClinVar (database versions not stated): gnomAD 0.00001; ExAC 0.00004; gnomAD exomes 0.00004 and 0.00006; TOPMed 0.00006.
gnomAD v4.1: 68 of 1,613,526 alleles (0.0042%); highest among the groups gnomAD compares: Admixed American, 0.012%; no homozygotes.

Submission:

Labcorp Genetics (formerly Invitae), Labcorp
Classification: Uncertain significance. Last evaluated: 2022-07-05. Review status: criteria provided, single submitter. Criteria: Invitae Variant Classification Sherloc (09022015). Collection method: clinical testing. Allele origin: germline.
Comment: This sequence change replaces valine, which is neutral and non-polar, with isoleucine, which is neutral and non-polar, at codon 970 of the ASPM protein (p.Val970Ile). This variant is present in population databases (rs754615321, gnomAD 0.02%). This variant has not been reported in the literature in individuals affected with ASPM-related conditions. ClinVar contains an entry for this variant (Variation ID: 1438862). Algorithms developed to predict the effect of missense changes on protein structure and function (SIFT, PolyPhen-2, Align-GVGD) all suggest that this variant is likely to be tolerated. In summary, the available evidence is currently insufficient to determine the role of this variant in disease. Therefore, it has been classified as a Variant of Uncertain Significance.